The following is an entry in ClinVar:

ClinVar aggregate classification (germline): Benign. Review status: criteria provided, multiple submitters, no conflicts (2 of 4 stars). 6 submissions from 5 submitters: Benign (6). Last evaluated 2023-11-12.

Conditions:
Familial Mediterranean fever (FMF). Also called: POLYSEROSITIS, FAMILIAL PAROXYSMAL; POLYSEROSITIS, RECURRENT; Periodic peritonitis; Benign paroxysmal peritonitis. Identifiers: Orphanet 342, MedGen C0031069, MONDO:0018088, OMIM 249100. Disease mechanism: gain of function.
Familial Mediterranean fever, autosomal dominant. Also called: FMF, AUTOSOMAL DOMINANT; Dominant Familial Mediterranean Fever. Identifiers: Orphanet 342, MedGen C1851347, MONDO:0007601, OMIM 134610.

Allele frequency attached by ClinVar (database versions not stated): 1000 Genomes Project 0.45407; 1000 Genomes Project 30x 0.45487; gnomAD 0.46165 and 0.46274; TOPMed 0.46564; gnomAD exomes 0.48785.
gnomAD v4.1: 687,393 of 1,418,208 alleles (48%); highest among the groups gnomAD compares: Admixed American, 62%; 168,563 homozygotes.

Submissions (6):

Unidad de Genómica Garrahan, Hospital de Pediatría Garrahan
Classification: Benign. Last evaluated: 2023-11-12. Review status: criteria provided, single submitter. Criteria: ACMG Guidelines, 2015. Collection method: clinical testing. Allele origin: germline. Affected: no. Observed: 70 variant alleles.
Comment: This variant is classified as Benign based on local population frequency. This variant was detected in 73% of patients studied by a panel of primary immunodeficiencies. Number of patients: 70. Only high quality variants are reported.

Genome-Nilou Lab
Classification: Benign for Familial Mediterranean fever, autosomal dominant. Last evaluated: 2021-07-01. Review status: criteria provided, single submitter. Criteria: ACMG Guidelines, 2015. Collection method: clinical testing. Allele origin: germline. Affected: no.

Genome-Nilou Lab
Classification: Benign for Familial Mediterranean fever. Last evaluated: 2021-07-01. Review status: criteria provided, single submitter. Criteria: ACMG Guidelines, 2015. Collection method: clinical testing. Allele origin: germline. Affected: no.

ARUP Laboratories, Molecular Genetics and Genomics, ARUP Laboratories
Classification: Benign. Last evaluated: 2018-07-03. Review status: criteria provided, single submitter. Criteria: ARUP Molecular Germline Variant Investigation Process. Collection method: clinical testing. Allele origin: germline.

GeneDx
Classification: Benign. Last evaluated: 2018-06-26. Review status: criteria provided, single submitter. Criteria: GeneDx Variant Classification Process June 2021. Collection method: clinical testing. Allele origin: germline. Affected: yes.

Breakthrough Genomics
Classification: Benign. Review status: criteria provided, single submitter. Criteria: ACMG Guidelines, 2015. Collection method: not provided. Allele origin: germline. Inheritance: Autosomal recessive inheritance. Affected: yes.

NM_000243.3(MEFV):c.1610+96C>T

Gene: MEFV (MEFV innate immunity regulator, pyrin; minus strand). Cytogenetic location: 16p13.3.
Variant type: single nucleotide variant.
Coding change: c.1610+96C>T on transcript NM_000243.3 (MANE Select); 96 bases into the intron after coding-DNA position 1610, C replaced by T.
Molecular consequence: intron variant.
Genome position (GRCh38, 1-based): chr16:3,246,429, G>A on the plus strand (C>T on the coding strand, the complement: MEFV is on the minus strand). VCF-style: chr16-3246429-G-A. GRCh37 (hg19) VCF-style: chr16-3296429-G-A.
Other names: c.977+96C>T (NM_001198536.2).
Identifiers: ClinVar variation 439879 (VCV000439879.17), dbSNP rs224204, ClinGen allele CA14352090.